The following is an entry in ClinVar:

ClinVar aggregate classification (germline): Uncertain significance (1 of 4 stars; one submission).

Submission:

Labcorp Genetics (formerly Invitae), Labcorp
Classification: Uncertain significance. Last evaluated: 2023-01-22. Review status: criteria provided, single submitter. Criteria: Invitae Variant Classification Sherloc (09022015). Collection method: clinical testing. Allele origin: germline.
Comment: In summary, the available evidence is currently insufficient to determine the role of this variant in disease. Therefore, it has been classified as a Variant of Uncertain Significance. Advanced modeling of protein sequence and biophysical properties (such as structural, functional, and spatial information, amino acid conservation, physicochemical variation, residue mobility, and thermodynamic stability) performed at Invitae indicates that this missense variant is not expected to disrupt GRIN2D protein function. This variant has not been reported in the literature in individuals affected with GRIN2D-related conditions. The frequency data for this variant in the population databases is considered unreliable, as metrics indicate insufficient coverage at this position in the gnomAD database. This sequence change replaces alanine, which is neutral and non-polar, with valine, which is neutral and non-polar, at codon 67 of the GRIN2D protein (p.Ala67Val).

NM_000836.4(GRIN2D):c.200C>T (p.Ala67Val)

Genes: GRIN2D (glutamate ionotropic receptor NMDA type subunit 2D; plus strand), LOC130064855 (ATAC-STARR-seq lymphoblastoid silent region 10879; plus strand). Cytogenetic location: 19q13.33.
Variant type: single nucleotide variant.
Coding change: c.200C>T on transcript NM_000836.4 (MANE Select); coding-DNA position 200, C replaced by T.
Protein change: p.Ala67Val; replaces alanine 67 with valine.
Molecular consequence: missense variant.
Genome position (GRCh38, 1-based): chr19:48,398,592, C>T. VCF-style: chr19-48398592-C-T. GRCh37 (hg19) VCF-style: chr19-48901849-C-T.
Other names: short protein forms A67V.
Identifiers: ClinVar variation 2831034 (VCV002831034.3), dbSNP rs1336714314, ClinGen allele CA406688491.